The following is an entry in ClinVar:

NM_013266.4(CTNNA3):c.160del (p.Arg54fs)

Gene: CTNNA3 (catenin alpha 3; minus strand). Cytogenetic location: 10q21.3.
Variant type: Deletion.
Coding change: c.160del on transcript NM_013266.4 (MANE Select); coding-DNA position 160, one base deleted (A; older notation c.160delA).
Protein change: p.Arg54fs; shifts the reading frame from arginine 54.
Molecular consequence: frameshift variant.
Genome position (GRCh38, 1-based): chr10:67,606,989, T deleted on the plus strand (A on the coding strand, the reverse complement: CTNNA3 is on the minus strand); the first of 4 consecutive T bases (chr10:67,606,989-67,606,992); deleting any one gives the same sequence. VCF-style (leftmost placement, unchanged base first): chr10-67606988-CT-C. GRCh37 (hg19) VCF-style: chr10-69366746-CT-C.
Other names: c.160del, p.Arg54fs (NM_001127384.3); c.196del, p.Arg66fs (NM_001291133.2); short protein forms R54fs, R66fs.
Identifiers: ClinVar variation 2574033 (VCV002574033.4), dbSNP rs2492219063, ClinGen allele CA2580615488.

ClinVar aggregate classification (germline): Conflicting classifications of pathogenicity. Review status: criteria provided, conflicting classifications (1 of 4 stars). 2 submissions from 2 submitters: Likely pathogenic (1); Uncertain significance (1). Last evaluated 2024-01-08.

Conditions:
Long QT syndrome (LQTS). Identifiers: MedGen C0023976, MeSH D008133, MONDO:0002442. Disease mechanism: loss of function. Inheritance: Various modes of inheritance.

Submissions (2):

Dept of Medical Biology, Uskudar University
Classification: Likely pathogenic for Long QT syndrome. Last evaluated: 2024-01-08. Review status: criteria provided, single submitter. Criteria: Dept of Medical Biology Variant Classification. Collection method: research. Allele origin: maternal. Affected: yes. Observed: 1 variant allele.
Comment: Criteria: PVS1_Strong, PM2

Blueprint Genetics
Classification: Uncertain significance. Last evaluated: 2023-12-20. Review status: criteria provided, single submitter. Criteria: ACMG Guidelines, 2015. Collection method: clinical testing. Allele origin: germline.